The following is an entry in ClinVar:

NM_000292.3(PHKA2):c.2361-12A>C

Gene: PHKA2 (phosphorylase kinase regulatory subunit alpha 2; minus strand). Cytogenetic location: Xp22.13.
Variant type: single nucleotide variant.
Coding change: c.2361-12A>C on transcript NM_000292.3 (MANE Select); 12 bases into the intron before coding-DNA position 2361, A replaced by C.
Molecular consequence: intron variant.
Genome position (GRCh38, 1-based): chrX:18,908,068, T>G on the plus strand (A>C on the coding strand, the complement: PHKA2 is on the minus strand). VCF-style: chrX-18908068-T-G. GRCh37 (hg19) VCF-style: chrX-18926186-T-G.
Identifiers: ClinVar variation 255772 (VCV000255772.18), dbSNP rs148877451, ClinGen allele CA10361654.

ClinVar aggregate classification (germline): Benign. Review status: criteria provided, multiple submitters, no conflicts (2 of 4 stars). 7 submissions from 7 submitters: Benign (6). 1 of the submissions does not count toward it. Last evaluated 2026-01-28.

Conditions:
Glycogen storage disease IXa1. Also called: GLYCOGEN STORAGE DISEASE VIII; GSD VIII; Glycogen storage disease 8; LIVER GLYCOGENOSIS, X-LINKED, TYPE I. Identifiers: Orphanet 264580, MedGen C3694531, MONDO:0010598, OMIM 306000.

Allele frequency attached by ClinVar (database versions not stated): gnomAD exomes 0.00294 and 0.00844; ExAC 0.01041; gnomAD 0.02774 and 0.02944; TOPMed 0.03130; ESP Exome Variant Server 0.03134; 1000 Genomes Project 0.03232; 1000 Genomes Project 30x 0.03288.
gnomAD v4.1: 6,436 of 1,203,196 alleles (0.53%); highest among the groups gnomAD compares: African/African-American, 9.8%; 221 homozygotes.

Submissions (7):

Labcorp Genetics (formerly Invitae), Labcorp
Classification: Benign for Glycogen storage disease IXa1. Last evaluated: 2026-01-28. Review status: criteria provided, single submitter. Criteria: Invitae Variant Classification Sherloc (09022015). Collection method: clinical testing. Allele origin: germline.

Women's Health and Genetics/Laboratory Corporation of America, LabCorp
Classification: Benign. Last evaluated: 2025-11-14. Review status: criteria provided, single submitter. Criteria: LabCorp Variant Classification Summary - May 2015. Collection method: clinical testing. Allele origin: germline.

ARUP Laboratories, Molecular Genetics and Genomics, ARUP Laboratories
Classification: Benign. Last evaluated: 2024-05-03. Review status: criteria provided, single submitter. Criteria: ARUP Molecular Germline Variant Investigation Process 2024. Collection method: clinical testing. Allele origin: germline.

GeneDx
Classification: Benign. Last evaluated: 2016-03-14. Review status: criteria provided, single submitter. Criteria: GeneDx Variant Classification (06012015). Collection method: clinical testing. Allele origin: germline. Affected: yes.
Comment: This variant is considered likely benign or benign based on one or more of the following criteria: it is a conservative change, it occurs at a poorly conserved position in the protein, it is predicted to be benign by multiple in silico algorithms, and/or has population frequency not consistent with disease.

Breakthrough Genomics
Classification: Benign. Review status: criteria provided, single submitter. Criteria: ACMG Guidelines, 2015. Collection method: not provided. Allele origin: germline. Inheritance: X-linked inheritance. Affected: yes.

PreventionGenetics, part of Exact Sciences
Classification: Benign. Review status: criteria provided, single submitter. Criteria: ACMG Guidelines, 2015. Collection method: clinical testing. Allele origin: germline.

Mayo Clinic Laboratories, Mayo Clinic
Classification: Benign. Last evaluated: 2017-03-13. Review status: no assertion criteria provided. Collection method: clinical testing. Allele origin: unknown. Not counted in ClinVar's aggregate classification.